The following is an entry in ClinVar:

ClinVar aggregate classification (germline): Uncertain significance. Review status: criteria provided, multiple submitters, no conflicts (2 of 4 stars). 2 submissions from 2 submitters: Uncertain significance (2). Last evaluated 2025-07-10.

Conditions:
Hereditary cancer-predisposing syndrome. Also called: Neoplastic Syndromes, Hereditary; Hereditary neoplastic syndrome; Hereditary Cancer Syndrome; Tumor predisposition. Identifiers: Orphanet 140162, MedGen C0027672, MeSH D009386, MONDO:0015356.
Tuberous sclerosis 2 (TSC2). Identifiers: Orphanet 805, MedGen C1860707, MONDO:0013199, OMIM 613254.

Submissions (2):

Ambry Genetics
Classification: Uncertain significance for Hereditary cancer-predisposing syndrome. Last evaluated: 2025-07-10. Review status: criteria provided, single submitter. Criteria: Ambry Variant Classification Scheme 2023. Collection method: clinical testing. Allele origin: germline.
Comment: The p.V181M variant (also known as c.541G>A), located in coding exon 5 of the TSC2 gene, results from a G to A substitution at nucleotide position 541. The valine at codon 181 is replaced by methionine, an amino acid with highly similar properties. This amino acid position is conserved. In addition, this alteration is predicted to be deleterious by in silico analysis. Based on the available evidence, the clinical significance of this variant remains unclear.

Labcorp Genetics (formerly Invitae), Labcorp
Classification: Uncertain significance for Tuberous sclerosis 2. Last evaluated: 2025-03-03. Review status: criteria provided, single submitter. Criteria: Invitae Variant Classification Sherloc (09022015). Collection method: clinical testing. Allele origin: germline.
Comment: This sequence change replaces valine, which is neutral and non-polar, with methionine, which is neutral and non-polar, at codon 181 of the TSC2 protein (p.Val181Met). This variant is not present in population databases (gnomAD no frequency). This variant has not been reported in the literature in individuals affected with TSC2-related conditions. ClinVar contains an entry for this variant (Variation ID: 1401120). Invitae Evidence Modeling of protein sequence and biophysical properties (such as structural, functional, and spatial information, amino acid conservation, physicochemical variation, residue mobility, and thermodynamic stability) indicates that this missense variant is not expected to disrupt TSC2 protein function with a negative predictive value of 95%. In summary, the available evidence is currently insufficient to determine the role of this variant in disease. Therefore, it has been classified as a Variant of Uncertain Significance.

NM_000548.5(TSC2):c.541G>A (p.Val181Met)

Gene: TSC2 (TSC complex subunit 2; plus strand). Cytogenetic location: 16p13.3.
Variant type: single nucleotide variant.
Coding change: c.541G>A on transcript NM_000548.5 (MANE Select); coding-DNA position 541, G replaced by A.
Protein change: p.Val181Met; replaces valine 181 with methionine.
Molecular consequence: missense variant. On other transcripts: intron variant (1).
Genome position (GRCh38, 1-based): chr16:2,055,461, G>A. VCF-style: chr16-2055461-G-A. GRCh37 (hg19) VCF-style: chr16-2105462-G-A.
Other names: c.541G>A (NM_000548.3); c.541G>A, p.Val181Met (NM_001077183.3, NM_001114382.3, NM_001363528.2 and 3 more transcripts); c.430G>A, p.Val144Met (NM_001318827.2); c.394G>A, p.Val132Met (NM_001318829.2); c.574G>A, p.Val192Met (NM_001318832.2); c.-1-735G>A (NM_001318831.2); short protein forms V144M, V181M, V192M, V132M.
Identifiers: ClinVar variation 1401120 (VCV001401120.9), dbSNP rs2151060118, ClinGen allele CA394309424.